The following is an entry in ClinVar:

NM_000601.6(HGF):c.76A>G (p.Ile26Val)

Gene: HGF (hepatocyte growth factor; minus strand). Cytogenetic location: 7q21.11.
Variant type: single nucleotide variant.
Coding change: c.76A>G on transcript NM_000601.6 (MANE Select); coding-DNA position 76, A replaced by G.
Protein change: p.Ile26Val; replaces isoleucine 26 with valine.
Molecular consequence: missense variant.
Genome position (GRCh38, 1-based): chr7:81,769,896, T>C on the plus strand (A>G on the coding strand, the complement: HGF is on the minus strand). VCF-style: chr7-81769896-T-C. GRCh37 (hg19) VCF-style: chr7-81399212-T-C.
Other names: c.76A>G, p.Ile26Val (NM_001010931.3, NM_001010932.3, NM_001010933.3 and 1 more transcripts); short protein forms I26V.
Identifiers: ClinVar variation 3776406 (VCV003776406.1).

ClinVar aggregate classification (germline): Uncertain significance (1 of 4 stars; one submission).

Submission:

GeneDx
Classification: Uncertain significance. Last evaluated: 2024-10-02. Review status: criteria provided, single submitter. Criteria: GeneDx Variant Classification Process June 2021. Collection method: clinical testing. Allele origin: germline. Affected: yes.
Comment: Not observed at significant frequency in large population cohorts (gnomAD); In silico analysis indicates that this missense variant does not alter protein structure/function; Has not been previously published as pathogenic or benign to our knowledge